The following is an entry in ClinVar:

ClinVar aggregate classification (germline): Likely benign. Review status: criteria provided, multiple submitters, no conflicts (2 of 4 stars). 3 submissions from 3 submitters: Likely benign (2). 1 of the submissions does not count toward it. Last evaluated 2023-06-06.

Conditions:
Cardiovascular phenotype. Identifiers: MedGen CN230736.
TECRL-related disorder. Also called: TECRL-related condition.

Allele frequency attached by ClinVar (database versions not stated): ExAC 0.00001; TOPMed 0.00001; gnomAD 0.00003; gnomAD exomes 0.00005.
gnomAD v4.1: 80 of 1,601,994 alleles (0.005%); highest among the groups gnomAD compares: Non-Finnish European, 0.0066%; no homozygotes.

Submissions (3):

Blueprint Genetics
Classification: Likely benign. Last evaluated: 2023-06-06. Review status: criteria provided, single submitter. Criteria: ACMG Guidelines, 2015. Collection method: clinical testing. Allele origin: germline.

Ambry Genetics
Classification: Likely benign for Cardiovascular phenotype. Last evaluated: 2019-06-09. Review status: criteria provided, single submitter. Criteria: Ambry Variant Classification Scheme 2023. Collection method: clinical testing. Allele origin: germline.

PreventionGenetics, part of Exact Sciences
Classification: Likely benign for TECRL-related condition. Last evaluated: 2021-05-05. Review status: no assertion criteria provided. Collection method: clinical testing. Allele origin: germline. Not counted in ClinVar's aggregate classification.
Comment: This variant is classified as likely benign based on ACMG/AMP sequence variant interpretation guidelines (Richards et al. 2015 PMID: 25741868, with internal and published modifications).

NM_001010874.5(TECRL):c.426T>C (p.Ser142=)

Gene: TECRL (trans-2,3-enoyl-CoA reductase like; minus strand). Cytogenetic location: 4q13.1.
Variant type: single nucleotide variant.
Coding change: c.426T>C on transcript NM_001010874.5 (MANE Select); coding-DNA position 426, T replaced by C.
Protein change: p.Ser142=; no amino-acid change (serine 142 retained).
Molecular consequence: synonymous variant.
Genome position (GRCh38, 1-based): chr4:64,322,698, A>G on the plus strand (T>C on the coding strand, the complement: TECRL is on the minus strand). VCF-style: chr4-64322698-A-G. GRCh37 (hg19) VCF-style: chr4-65188416-A-G.
Other names: c.426T>C, p.Ser142= (NM_001363796.1).
Identifiers: ClinVar variation 1739254 (VCV001739254.5), dbSNP rs776045839, ClinGen allele CA2935556.